The following is an entry in ClinVar:

NM_004706.4(ARHGEF1):c.427G>T (p.Val143Leu)

Gene: ARHGEF1 (Rho guanine nucleotide exchange factor 1; plus strand). Cytogenetic location: 19q13.2.
Variant type: single nucleotide variant.
Coding change: c.427G>T on transcript NM_004706.4 (MANE Select); coding-DNA position 427, G replaced by T.
Protein change: p.Val143Leu; replaces valine 143 with leucine.
Molecular consequence: missense variant. On other transcripts: non-coding transcript variant (2).
Genome position (GRCh38, 1-based): chr19:41,892,662, G>T. VCF-style: chr19-41892662-G-T. GRCh37 (hg19) VCF-style: chr19-42396733-G-T.
Other names: c.427G>T, p.Val143Leu (NM_001396000.1, NM_001396003.1, NM_001396006.1); c.328G>T, p.Val110Leu (NM_001396002.1, NM_001396004.1, NM_198977.2); c.472G>T, p.Val158Leu (NM_199002.2); short protein forms V110L, V143L, V158L.
Identifiers: ClinVar variation 3621700 (VCV003621700.2).

ClinVar aggregate classification (germline): Uncertain significance (1 of 4 stars; one submission).

Submission:

Labcorp Genetics (formerly Invitae), Labcorp
Classification: Uncertain significance. Last evaluated: 2024-07-24. Review status: criteria provided, single submitter. Criteria: Invitae Variant Classification Sherloc (09022015). Collection method: clinical testing. Allele origin: germline.
Comment: This sequence change replaces valine, which is neutral and non-polar, with leucine, which is neutral and non-polar, at codon 158 of the ARHGEF1 protein (p.Val158Leu). This variant is not present in population databases (gnomAD no frequency). This variant has not been reported in the literature in individuals affected with ARHGEF1-related conditions. An algorithm developed to predict the effect of missense changes on protein structure and function (PolyPhen-2) suggests that this variant is likely to be disruptive. In summary, the available evidence is currently insufficient to determine the role of this variant in disease. Therefore, it has been classified as a Variant of Uncertain Significance.